The following is an entry in ClinVar:

ClinVar aggregate classification (germline): Uncertain significance. Review status: criteria provided, multiple submitters, no conflicts (2 of 4 stars). 2 submissions from 2 submitters: Uncertain significance (2). Last evaluated 2024-09-04.

Conditions:
Lynch syndrome 5 (LYNCH5). Also called: Hereditary non-polyposis colorectal cancer, type 5; Colorectal cancer, hereditary nonpolyposis, type 5. Identifiers: Orphanet 144, MedGen C1833477, MONDO:0013710, OMIM 614350. Disease mechanism: loss of function.
Hereditary nonpolyposis colorectal neoplasms. Identifiers: MedGen C0009405, MeSH D003123.

Submissions (2):

Department of Human Genetics, Hannover Medical School
Classification: Uncertain significance for Lynch syndrome 5. Last evaluated: 2024-09-04. Review status: criteria provided, single submitter. Criteria: ACMG Guidelines, 2015. Collection method: clinical testing. Allele origin: germline. Inheritance: Autosomal dominant inheritance. Affected: yes.

Labcorp Genetics (formerly Invitae), Labcorp
Classification: Uncertain significance for Hereditary nonpolyposis colorectal neoplasms. Last evaluated: 2019-12-26. Review status: criteria provided, single submitter. Criteria: Invitae Variant Classification Sherloc (09022015). Collection method: clinical testing. Allele origin: germline.
Comment: This variant is not present in population databases (ExAC no frequency). This variant has not been reported in the literature in individuals with MSH6-related conditions. Algorithms developed to predict the effect of missense changes on protein structure and function are either unavailable or do not agree on the potential impact of this missense change (SIFT: "Deleterious"; PolyPhen-2: "Benign"; Align-GVGD: "Class C0"). In summary, the available evidence is currently insufficient to determine the role of this variant in disease. Therefore, it has been classified as a Variant of Uncertain Significance. This sequence change replaces isoleucine with phenylalanine at codon 188 of the MSH6 protein (p.Ile188Phe). The isoleucine residue is weakly conserved and there is a small physicochemical difference between isoleucine and phenylalanine.

NM_000179.3(MSH6):c.562A>T (p.Ile188Phe)

Gene: MSH6 (mutS homolog 6; plus strand). Cytogenetic location: 2p16.3.
Variant type: single nucleotide variant.
Coding change: c.562A>T on transcript NM_000179.3 (MANE Select); coding-DNA position 562, A replaced by T.
Protein change: p.Ile188Phe; replaces isoleucine 188 with phenylalanine.
Molecular consequence: missense variant. On other transcripts: 5 prime UTR variant (1), intron variant (2).
Genome position (GRCh38, 1-based): chr2:47,795,998, A>T. VCF-style: chr2-47795998-A-T. GRCh37 (hg19) VCF-style: chr2-48023137-A-T.
Other names: c.-341A>T (NM_001281494.2); c.-279-2613A>T (NM_001281493.2); c.238-2613A>T (NM_001281492.2); short protein forms I188F.
Identifiers: ClinVar variation 857665 (VCV000857665.12), dbSNP rs1669063357, ClinGen allele CA346738775.
Genomic context (GRCh38, chr2:47,795,998, plus strand): 5'-GCAAAGCCTGAAATACTGAGAGCAATGCAACGTGCAGATGAAGCCTTAAATAAAGACAAG[A>T]TTAAGAGGCTTGAATTGGCAGTTTGTGATGAGCCCTCAGAGCCAGAAGAGGAAGAAGAGA-3'
Protein context (NP_000170.1, residues 178-198): RADEALNKDK[Ile188Phe]KRLELAVCDE